The following is an entry in ClinVar:

NM_005618.4(DLL1):c.55-3C>G

Gene: DLL1 (delta like canonical Notch ligand 1; minus strand). Cytogenetic location: 6q27.
Variant type: single nucleotide variant.
Coding change: c.55-3C>G on transcript NM_005618.4 (MANE Select); 3 bases into the intron before coding-DNA position 55, C replaced by G.
Molecular consequence: intron variant.
Genome position (GRCh38, 1-based): chr6:170,289,811, G>C on the plus strand (C>G on the coding strand, the complement: DLL1 is on the minus strand). VCF-style: chr6-170289811-G-C. GRCh37 (hg19) VCF-style: chr6-170598899-G-C.
Identifiers: ClinVar variation 4975734 (VCV004975734.1).

ClinVar aggregate classification (germline): Uncertain significance (1 of 4 stars; one submission).

Submission:

GeneDx
Classification: Uncertain significance. Last evaluated: 2026-01-30. Review status: criteria provided, single submitter. Criteria: GeneDx Variant Classification Process June 2021. Collection method: clinical testing. Allele origin: germline.
Comment: Not observed at significant frequency in large population cohorts (gnomAD); In silico analysis supports a deleterious effect on splicing; Has not been previously published as pathogenic or benign to our knowledge